The following is an entry in ClinVar:

ClinVar aggregate classification (germline): Uncertain significance (1 of 4 stars; one submission).

Allele frequency attached by ClinVar (database versions not stated): gnomAD exomes below 0.00001; gnomAD 0.00001; TOPMed 0.00001.
gnomAD v4.1: 4 of 1,613,892 alleles (0.00025%); highest among the groups gnomAD compares: African/African-American, 0.0053%; no homozygotes.

Submission:

GeneDx
Classification: Uncertain significance. Last evaluated: 2017-01-16. Review status: criteria provided, single submitter. Criteria: GeneDx Variant Classification (06012015). Collection method: clinical testing. Allele origin: germline. Affected: yes.
Comment: A variant of uncertain significance has been identified in the MURC gene. The A10T variant has not been published as pathogenic or been reported as benign to our knowledge. It is not observed in large population cohorts (Lek et al., 2016; 1000 Genomes Consortium et al., 2015; Exome Variant Server). In addition, the A10T variant is a non-conservative amino acid substitution, which is likely to impact secondary protein structure as these residues differ in polarity, charge, size and/or other properties. However, this substitution occurs at a position that is not conserved across species, and two of three in silico models predict this variant likely does not alter the protein structure/function.

NM_001018116.2(CAVIN4):c.28G>A (p.Ala10Thr)

Gene: CAVIN4 (caveolae associated protein 4; plus strand). Cytogenetic location: 9q31.1.
Variant type: single nucleotide variant.
Coding change: c.28G>A on transcript NM_001018116.2 (MANE Select); coding-DNA position 28, G replaced by A.
Protein change: p.Ala10Thr; replaces alanine 10 with threonine.
Molecular consequence: missense variant.
Genome position (GRCh38, 1-based): chr9:100,578,171, G>A. VCF-style: chr9-100578171-G-A. GRCh37 (hg19) VCF-style: chr9-103340453-G-A.
Other names: c.28G>A, p.Ala10Thr (LRG_760t1); short protein forms A10T.
Identifiers: ClinVar variation 392855 (VCV000392855.2), dbSNP rs1057524661, ClinGen allele CA16605534.